The following is an entry in ClinVar:

NC_000023.11:g.(?_22178273)_(22190502_?)del

Gene: PHEX (phosphate regulating endopeptidase X-linked; plus strand). Cytogenetic location: Xp22.11.
Variant type: Deletion.
Identifiers: ClinVar variation 830800 (VCV000830800.7).

ClinVar aggregate classification (germline): Pathogenic (1 of 4 stars; one submission).

Submission:

Labcorp Genetics (formerly Invitae), Labcorp
Classification: Pathogenic. Last evaluated: 2019-10-21. Review status: criteria provided, single submitter. Criteria: Invitae Variant Classification Sherloc (09022015). Collection method: clinical testing. Allele origin: germline.
Comment: This variant is an out-of-frame deletion of the genomic region encompassing exons 14-15 of the PHEX gene. This is expected to create a premature translational stop signal and result in an absent or disrupted protein product. This variant has been observed in an individual affected with clinical features of hypophosphatemic rickets (PMID: 29460029). Loss-of-function variants in PHEX are known to be pathogenic (PMID: 9097956, 9106524, 19219621). For these reasons, this variant has been classified as Pathogenic.

Literature cited by the submitters: PubMed 29460029; PubMed 9097956; PubMed 9106524; PubMed 19219621.